The following is an entry in ClinVar:

ClinVar aggregate classification (germline): Uncertain significance (1 of 4 stars; one submission).

gnomAD v4.1: 24 of 1,613,938 alleles (0.0015%); highest among the groups gnomAD compares: Non-Finnish European, 0.0018%; no homozygotes.

Submission:

Mayo Clinic Laboratories, Mayo Clinic
Classification: Uncertain significance. Last evaluated: 2025-11-12. Review status: criteria provided, single submitter. Criteria: ACMG Guidelines, 2015. Collection method: clinical testing. Allele origin: germline. Observed: 1 variant allele.
Comment: PP3

NM_000521.4(HEXB):c.1402C>G (p.Pro468Ala)

Gene: HEXB (hexosaminidase subunit beta; plus strand). Cytogenetic location: 5q13.3.
Variant type: single nucleotide variant.
Coding change: c.1402C>G on transcript NM_000521.4 (MANE Select); coding-DNA position 1402, C replaced by G.
Protein change: p.Pro468Ala; replaces proline 468 with alanine.
Molecular consequence: missense variant.
Genome position (GRCh38, 1-based): chr5:74,718,956, C>G. VCF-style: chr5-74718956-C-G. GRCh37 (hg19) VCF-style: chr5-74014781-C-G.
Other names: p.Pro468Ala; c.727C>G, p.Pro243Ala (NM_001292004.2); short protein forms P243A, P468A.
Identifiers: ClinVar variation 4541050 (VCV004541050.1).